The following is an entry in ClinVar:

NM_001844.5(COL2A1):c.430-1G>A

Gene: COL2A1 (collagen type II alpha 1 chain; minus strand). Cytogenetic location: 12q13.11.
Variant type: single nucleotide variant.
Coding change: c.430-1G>A on transcript NM_001844.5 (MANE Select); the canonical splice acceptor site of the intron before coding-DNA position 430, G replaced by A.
Molecular consequence: splice acceptor variant.
Genome position (GRCh38, 1-based): chr12:47,997,708, C>T on the plus strand (G>A on the coding strand, the complement: COL2A1 is on the minus strand). VCF-style: chr12-47997708-C-T. GRCh37 (hg19) VCF-style: chr12-48391491-C-T.
Other names: c.223-1G>A (NM_033150.3).
Identifiers: ClinVar variation 1474439 (VCV001474439.6), dbSNP rs2136626600, ClinGen allele CA384524922.

ClinVar aggregate classification (germline): Likely pathogenic (1 of 4 stars; one submission).

Submission:

Labcorp Genetics (formerly Invitae), Labcorp
Classification: Likely pathogenic. Last evaluated: 2025-12-20. Review status: criteria provided, single submitter. Criteria: Invitae Variant Classification Sherloc (09022015). Collection method: clinical testing. Allele origin: germline.
Comment: This sequence change affects an acceptor splice site in intron 6 of the COL2A1 gene. It is expected to disrupt RNA splicing. Variants that disrupt the donor or acceptor splice site typically lead to a loss of protein function (PMID: 16199547), and loss-of-function variants in COL2A1 are known to be pathogenic (PMID: 20179744). This variant is not present in population databases (gnomAD no frequency). Disruption of this splice site has been observed in individual(s) with COL2A1-related conditions (PMID: 20179744). ClinVar contains an entry for this variant (Variation ID: 1474439). Algorithms developed to predict the effect of sequence changes on RNA splicing suggest that this variant may disrupt the consensus splice site. In summary, the currently available evidence indicates that the variant is pathogenic, but additional data are needed to prove that conclusively. Therefore, this variant has been classified as Likely Pathogenic.

Literature cited by the submitters: PubMed 16199547; PubMed 20179744.